The following is an entry in ClinVar:

ClinVar aggregate classification (germline): Uncertain significance (1 of 4 stars; one submission).

Conditions:
Pierpont syndrome (PRPTS). Identifiers: Orphanet 487825, MedGen C1865644, MONDO:0011213, OMIM 602342.

Submissions (2):

Labcorp Genetics (formerly Invitae), Labcorp
Classification: Uncertain significance for Pierpont syndrome. Last evaluated: 2022-07-07. Review status: criteria provided, single submitter. Criteria: Invitae Variant Classification Sherloc (09022015). Collection method: clinical testing. Allele origin: germline.
Comment: This variant has not been reported in the literature in individuals affected with TBL1XR1-related conditions. This variant is not present in population databases (gnomAD no frequency). This sequence change affects codon 349 of the TBL1XR1 mRNA. It is a 'silent' change, meaning that it does not change the encoded amino acid sequence of the TBL1XR1 protein. This variant also falls at the last nucleotide of exon 11, which is part of the consensus splice site for this exon. Variants that disrupt the consensus splice site are a relatively common cause of aberrant splicing (PMID: 17576681, 9536098). Algorithms developed to predict the effect of sequence changes on RNA splicing suggest that this variant is not likely to affect RNA splicing. In summary, the available evidence is currently insufficient to determine the role of this variant in disease. Therefore, it has been classified as a Variant of Uncertain Significance.

Dr. Peter K. Rogan Lab, Western University
No classification provided (evidence only). Condition: Thyroid cancer, nonmedullary, 1. Review status: no classification provided. Collection method: in vitro. Allele origin: not applicable. Functional consequence: retained intron. Not counted in ClinVar's aggregate classification.

Literature cited by the submitters: PubMed 17576681 (cited by Labcorp Genetics (formerly Invitae), Labcorp); PubMed 9536098 (cited by Labcorp Genetics (formerly Invitae), Labcorp).

NM_024665.7(TBL1XR1):c.1047G>T (p.Thr349=)

Genes: TBL1XR1 (TBL1X/Y related 1; minus strand), TBL1XR1-AS1 (TBL1XR1 antisense RNA 1; plus strand), LOC126806878 (CDK7 strongly-dependent group 2 enhancer GRCh37_chr3:176755168-176756367; plus strand). Cytogenetic location: 3q26.32.
Variant type: single nucleotide variant.
Coding change: c.1047G>T on transcript NM_024665.7 (MANE Select); coding-DNA position 1047, G replaced by T.
Protein change: p.Thr349=; no amino-acid change (threonine 349 retained).
Molecular consequence: synonymous variant.
Genome position (GRCh38, 1-based): chr3:177,038,313, C>A on the plus strand (G>T on the coding strand, the complement: TBL1XR1 is on the minus strand). VCF-style: chr3-177038313-C-A. GRCh37 (hg19) VCF-style: chr3-176756101-C-A.
Other names: c.1047G>T, p.Thr349= (NM_001321193.3, NM_001321194.3, NM_001374327.1 and 2 more transcripts); c.786G>T, p.Thr262= (NM_001321195.3, NM_001374330.1).
Identifiers: ClinVar variation 2013003 (VCV002013003.5), dbSNP rs765557053, ClinGen allele CA436985760.